The following is an entry in ClinVar:

NM_001378789.1(CERS3):c.1131C>T (p.Pro377=)

Genes: CERS3 (ceramide synthase 3; minus strand), CERS3-AS1 (CERS3 antisense RNA 1; plus strand). Cytogenetic location: 15q26.3.
Variant type: single nucleotide variant.
Coding change: c.1131C>T on transcript NM_001378789.1 (MANE Select); coding-DNA position 1131, C replaced by T.
Protein change: p.Pro377=; no amino-acid change (proline 377 retained).
Molecular consequence: synonymous variant.
Genome position (GRCh38, 1-based): chr15:100,402,734, G>A on the plus strand (C>T on the coding strand, the complement: CERS3 is on the minus strand). VCF-style: chr15-100402734-G-A. GRCh37 (hg19) VCF-style: chr15-100942939-G-A.
Other names: c.1164C>T, p.Pro388= (NM_001290341.2); c.1131C>T, p.Pro377= (NM_001290342.2, NM_001290343.2, NM_178842.5).
Identifiers: ClinVar variation 4990306 (VCV004990306.1).
Genomic context (GRCh38, chr15:100,402,734, plus strand): 5'-TGCAGCATGCTGTGCCATGGGAGTCCTGTAGGCTTCCAGCTAATGGCCATGCTGGCCATT[G>A]GGAATGAGGTGCCTCTCAGCCCTGAGGCCGTTCTTTAAACAATCCATCTCTTTGCCTTTG-3'
Protein context (NP_001365718.1, residues 367-383): NGLRAERHLI[Pro377=]NGQHGH

ClinVar aggregate classification (germline): Likely benign (1 of 4 stars; one submission).

Conditions:
CERS3-related disorder. Also called: CERS3-related condition.

gnomAD v4.1: 9 of 1,614,082 alleles (0.00056%); highest among the groups gnomAD compares: Middle Eastern, 0.066%; no homozygotes.

Submission:

PreventionGenetics, part of Exact Sciences
Classification: Likely benign for CERS3-related condition. Last evaluated: 2026-06-22. Review status: criteria provided, single submitter. Criteria: ACMG Guidelines, 2015. Collection method: clinical testing. Allele origin: germline.
Comment: This variant is classified as likely benign based on ACMG/AMP sequence variant interpretation guidelines (Richards et al. 2015 PMID: 25741868, with internal and published modifications).